The following is an entry in ClinVar:

NM_001365276.2(TNXB):c.7954G>A (p.Glu2652Lys)

Gene: TNXB (tenascin XB; minus strand). Cytogenetic location: 6p21.33.
Variant type: single nucleotide variant.
Coding change: c.7954G>A on transcript NM_001365276.2 (MANE Select); coding-DNA position 7954, G replaced by A.
Protein change: p.Glu2652Lys; replaces glutamic acid 2652 with lysine.
Molecular consequence: missense variant.
Genome position (GRCh38, 1-based): chr6:32,056,775, C>T on the plus strand (G>A on the coding strand, the complement: TNXB is on the minus strand). VCF-style: chr6-32056775-C-T. GRCh37 (hg19) VCF-style: chr6-32024552-C-T.
Other names: p.Glu2652Lys; c.7954G>A, p.Glu2652Lys (NM_019105.8); short protein forms E2652K.
Identifiers: ClinVar variation 1210080 (VCV001210080.25), dbSNP rs202211608, ClinGen allele CA3733999.
Genomic context (GRCh38, chr6:32,056,775, plus strand): 5'-CCGCCTTGGGCTGCCCATCCCCATTCCTGTACTGGACCAGGAAGTGGTCAAACTGGCCCT[C>T]GGGAACCGTCCAGGACAGGCTGAGGGAGTCAGGGGTGGCATCTGTCATGGTCAGCTCCCC-3'
Protein context (NP_001352205.1, residues 2642-2662): DSLSLSWTVP[Glu2652Lys]GQFDHFLVQY

ClinVar aggregate classification (germline): Likely benign. Review status: criteria provided, multiple submitters, no conflicts (2 of 4 stars). 11 submissions from 11 submitters: Likely benign (8). 3 of the submissions do not count toward it. Last evaluated 2026-04-21.

Conditions:
TNXB-related disorder. Also called: TNXB-related condition.
Ehlers-Danlos syndrome (EDS). Identifiers: Orphanet 98249, MedGen C0013720, MONDO:0020066.
Cardiovascular phenotype. Identifiers: MedGen CN230736.

Allele frequency attached by ClinVar (database versions not stated): gnomAD exomes 0.00021 and 0.00059; gnomAD 0.00050 and 0.00060; ExAC 0.00053; TOPMed 0.00062; 1000 Genomes Project 0.00180; 1000 Genomes Project 30x 0.00187.
gnomAD v4.1: 655 of 1,613,274 alleles (0.041%); highest among the groups gnomAD compares: East Asian, 0.4%; 18 homozygotes.

Submissions (11):

Women's Health and Genetics/Laboratory Corporation of America, LabCorp
Classification: Likely benign. Last evaluated: 2026-04-21. Review status: criteria provided, single submitter. Criteria: LabCorp Variant Classification Summary - May 2015. Collection method: clinical testing. Allele origin: germline.
Comment: Variant summary: TNXB c.7954G>A (p.Glu2652Lys) results in a conservative amino acid change located in the Fibronectin type-III domain profile (IPR003961) of the encoded protein sequence. Algorithms developed to predict the effect of missense changes on protein structure and function all suggest that this variant is likely to be tolerated. The variant allele was found at a frequency of 0.00059 in 247332 control chromosomes, predominantly at a frequency of 0.0054 within the East Asian subpopulation in the gnomAD database, including 1 homozygotes. The observed variant frequency within East Asian control individuals in the gnomAD database exceeds the estimated maximal expected allele frequency for disease-causing variants in TNXB. To our knowledge, no occurrence of c.7954G>A in individuals affected with TNXB-related conditions and no experimental evidence demonstrating its impact on protein function have been reported. ClinVar contains an entry for this variant (Variation ID: 1210080). Based on the evidence outlined above, the variant was classified as likely benign.

Labcorp Genetics (formerly Invitae), Labcorp
Classification: Likely benign. Last evaluated: 2026-02-02. Review status: criteria provided, single submitter. Criteria: Invitae Variant Classification Sherloc (09022015). Collection method: clinical testing. Allele origin: germline.

Mayo Clinic Laboratories, Mayo Clinic
Classification: Likely benign. Last evaluated: 2025-10-16. Review status: criteria provided, single submitter. Criteria: ACMG Guidelines, 2015. Collection method: clinical testing. Allele origin: germline. Observed: 1 variant allele.
Comment: BS1

CeGaT Center for Human Genetics Tuebingen
Classification: Likely benign. Last evaluated: 2025-05-01. Review status: criteria provided, single submitter. Criteria: CeGaT Center For Human Genetics Tuebingen Variant Classification Criteria Version 2. Collection method: clinical testing. Allele origin: germline. Affected: yes. Observed: 1 variant allele.
Comment: TNXB: BP4, BS2

Blueprint Genetics
Classification: Likely benign. Last evaluated: 2024-11-20. Review status: criteria provided, single submitter. Criteria: ACMG Guidelines, 2015. Collection method: clinical testing. Allele origin: germline.

Ambry Genetics
Classification: Likely benign for Cardiovascular phenotype. Last evaluated: 2023-04-27. Review status: criteria provided, single submitter. Criteria: Ambry Variant Classification Scheme 2023. Collection method: clinical testing. Allele origin: germline.

Genome Diagnostics Laboratory, The Hospital for Sick Children
Classification: Likely benign for Ehlers-Danlos syndrome. Last evaluated: 2021-07-20. Review status: criteria provided, single submitter. Criteria: ACMG Guidelines, 2015. Collection method: clinical testing. Allele origin: germline.

GeneDx
Classification: Likely benign. Last evaluated: 2020-10-13. Review status: criteria provided, single submitter. Criteria: GeneDx Variant Classification Process June 2021. Collection method: clinical testing. Allele origin: germline. Affected: yes.

PreventionGenetics, part of Exact Sciences
Classification: Likely benign for TNXB-related condition. Last evaluated: 2021-02-28. Review status: no assertion criteria provided. Collection method: clinical testing. Allele origin: germline. Not counted in ClinVar's aggregate classification.
Comment: This variant is classified as likely benign based on ACMG/AMP sequence variant interpretation guidelines (Richards et al. 2015 PMID: 25741868, with internal and published modifications).

Genome Diagnostics Laboratory, Amsterdam University Medical Center
Classification: Likely benign. Review status: no assertion criteria provided. Collection method: clinical testing. Allele origin: germline. Affected: yes. Study: VKGL Data-share Consensus. Not counted in ClinVar's aggregate classification.

Genome Diagnostics Laboratory, University Medical Center Utrecht
Classification: Likely benign. Review status: no assertion criteria provided. Collection method: clinical testing. Allele origin: germline. Affected: yes. Study: VKGL Data-share Consensus. Not counted in ClinVar's aggregate classification.

Literature cited by the submitters: PubMed 31702543 (cited by Mayo Clinic Laboratories, Mayo Clinic).